The following is an entry in ClinVar:

NM_153717.3(EVC):c.985_986insATCTT (p.Val329fs)

Gene: EVC (EvC ciliary complex subunit 1; plus strand). Cytogenetic location: 4p16.2.
Variant type: Insertion.
Coding change: c.985_986insATCTT on transcript NM_153717.3 (MANE Select); coding-DNA positions 985 to 986, ATCTT inserted.
Protein change: p.Val329fs; shifts the reading frame from valine 329.
Molecular consequence: frameshift variant.
Genome position: GRCh38 VCF-style: chr4-5748193-G-GATCTT. GRCh37 (hg19) VCF-style: chr4-5749920-G-GATCTT.
Other names: c.985_986insATCTT, p.Val329fs (NM_001306090.2, NM_001306092.2); short protein forms V329fs.
Identifiers: ClinVar variation 1724099 (VCV001724099.2), dbSNP rs2475161271, ClinGen allele CA2580070798.
Genomic context (GRCh38, chr4:5,748,193, plus strand): 5'-GTGCTCATTTCACAGATGGAAGCTTTCTGGAAACAGATGGCAAATATCCAGCACTTTCTT[G>GATCTT]TGGACCAGTTTAAGTGTTCCAGCTCCAAAGCCCGACAGCTGATGATGACTCTGACGGAAA-3'

ClinVar aggregate classification (germline): Likely pathogenic (1 of 4 stars; one submission).

Conditions:
Ellis-van Creveld syndrome (EVC). Also called: EVC-Related Ellis-van Creveld Syndrome; EVC2-Related Ellis-van Creveld Syndrome; MESOECTODERMAL DYSPLASIA; Chondroectodermal dysplasia. Identifiers: Orphanet 289, MedGen C0013903, MONDO:0009162, OMIM 225500.

Submission:

Myriad Genetics, Inc.
Classification: Likely pathogenic for Ellis-van Creveld syndrome. Last evaluated: 2022-01-25. Review status: criteria provided, single submitter. Criteria: Myriad Women's Health Autosomal Recessive and X-Linked Classification Criteria (2021). Collection method: clinical testing. Allele origin: unknown.
Comment: NM_153717.2(EVC):c.985_986ins5(V329Dfs*16) is expected to be pathogenic in the context of EVC-related Ellis-van Creveld syndrome. This variant is predicted to lead to an abnormal or absent protein product due to the creation of a premature termination codon in EVC, a gene where loss-of-function variants are known to be pathogenic. Please note: this variant was assessed in the context of healthy population screening.